The following is an entry in ClinVar:

ClinVar aggregate classification (germline): Uncertain significance (1 of 4 stars; one submission).

Allele frequency attached by ClinVar (database versions not stated): gnomAD exomes below 0.00001.
gnomAD v4.1: 2 of 1,596,166 alleles (0.00013%); highest among the groups gnomAD compares: Non-Finnish European, 0.00017%; no homozygotes.

Submission:

Labcorp Genetics (formerly Invitae), Labcorp
Classification: Uncertain significance. Last evaluated: 2021-10-05. Review status: criteria provided, single submitter. Criteria: Invitae Variant Classification Sherloc (09022015). Collection method: clinical testing. Allele origin: germline.
Comment: In summary, the available evidence is currently insufficient to determine the role of this variant in disease. Therefore, it has been classified as a Variant of Uncertain Significance. Algorithms developed to predict the effect of missense changes on protein structure and function (SIFT, PolyPhen-2, Align-GVGD) all suggest that this variant is likely to be disruptive. This variant has not been reported in the literature in individuals affected with HPS6-related conditions. This variant is not present in population databases (ExAC no frequency). This sequence change replaces cysteine with tyrosine at codon 164 of the HPS6 protein (p.Cys164Tyr). The cysteine residue is highly conserved and there is a large physicochemical difference between cysteine and tyrosine.

NM_024747.6(HPS6):c.491G>A (p.Cys164Tyr)

Gene: HPS6 (HPS6 biogenesis of lysosomal organelles complex 2 subunit 3; plus strand). Cytogenetic location: 10q24.32.
Variant type: single nucleotide variant.
Coding change: c.491G>A on transcript NM_024747.6 (MANE Select); coding-DNA position 491, G replaced by A.
Protein change: p.Cys164Tyr; replaces cysteine 164 with tyrosine.
Molecular consequence: missense variant.
Genome position (GRCh38, 1-based): chr10:102,065,965, G>A. VCF-style: chr10-102065965-G-A. GRCh37 (hg19) VCF-style: chr10-103825722-G-A.
Other names: short protein forms C164Y.
Identifiers: ClinVar variation 1441090 (VCV001441090.6), dbSNP rs2067966022, ClinGen allele CA377857681.
Genomic context (GRCh38, chr10:102,065,965, plus strand): 5'-GGCAGGCCCGGGCCGAGGGCCCGTCAGGGTCGCCAGCAGCCGCTTTCAGCCACTGTGTGT[G>A]CGTCCGGACTCTGGAGCCCAGCGGGGAAGCTAGCACCAGCCTGGGCCGCACACACGTCCT-3'
Protein context (NP_079023.2, residues 154-174): SPAAAFSHCV[Cys164Tyr]VRTLEPSGEA